The following is an entry in ClinVar:

NM_001378120.1(MBD5):c.3595C>T (p.Leu1199=)

Gene: MBD5 (methyl-CpG binding domain protein 5; plus strand). Cytogenetic location: 2q23.1.
Variant type: single nucleotide variant.
Coding change: c.3595C>T on transcript NM_001378120.1 (MANE Select); coding-DNA position 3595, C replaced by T.
Protein change: p.Leu1199=; no amino-acid change (leucine 1199 retained).
Molecular consequence: synonymous variant.
Genome position (GRCh38, 1-based): chr2:148,485,792, C>T. VCF-style: chr2-148485792-C-T. GRCh37 (hg19) VCF-style: chr2-149243361-C-T.
Other names: c.2896C>T, p.Leu966= (NM_018328.5).
Identifiers: ClinVar variation 1616124 (VCV001616124.9), dbSNP rs2105093530, ClinGen allele CA429222267.

ClinVar aggregate classification (germline): Conflicting classifications of pathogenicity. Review status: criteria provided, conflicting classifications (1 of 4 stars). 2 submissions from 2 submitters: Uncertain significance (1); Likely benign (1). Last evaluated 2024-01-24.

Conditions:
Intellectual developmental disorder, autosomal dominant 1. Also called: MBD5 Haploinsufficiency; Intellectual disability, autosomal dominant 1. Identifiers: Orphanet 228402, MedGen C1969562, MONDO:0007974, OMIM 156200.

Submissions (2):

3billion
Classification: Uncertain significance for Intellectual developmental disorder, autosomal dominant 1. Last evaluated: 2024-01-24. Review status: criteria provided, single submitter. Criteria: ACMG Guidelines, 2015. Collection method: clinical testing. Allele origin: germline. Affected: yes.
Comment: The variant is not observed in the gnomAD v2.1.1 dataset. Predicted Consequence/Location: Synonymous variant In silico tools predict the variant to alter splicing and produce an abnormal transcript [SpliceAI: 0.28 (>=0.2, moderate evidence for spliceogenicity)]. The variant has been reported as benign without evidence for the classification (ClinVar ID: VCV001616124). Therefore, this variant is classified as VUS according to the recommendation of ACMG/AMP guideline.

Labcorp Genetics (formerly Invitae), Labcorp
Classification: Likely benign for Intellectual developmental disorder, autosomal dominant 1. Last evaluated: 2022-06-28. Review status: criteria provided, single submitter. Criteria: Invitae Variant Classification Sherloc (09022015). Collection method: clinical testing. Allele origin: germline.